The following is an entry in ClinVar:

NM_001374736.1(DST):c.2684A>T (p.Tyr895Phe)

Gene: DST (dystonin; minus strand). Cytogenetic location: 6p12.1.
Variant type: single nucleotide variant.
Coding change: c.2684A>T on transcript NM_001374736.1 (MANE Select); coding-DNA position 2684, A replaced by T.
Protein change: p.Tyr895Phe; replaces tyrosine 895 with phenylalanine.
Molecular consequence: missense variant.
Genome position (GRCh38, 1-based): chr6:56,639,709, T>A on the plus strand (A>T on the coding strand, the complement: DST is on the minus strand). VCF-style: chr6-56639709-T-A. GRCh37 (hg19) VCF-style: chr6-56504507-T-A.
Other names: c.2585A>T, p.Tyr862Phe (NM_001144769.5); c.2171A>T, p.Tyr724Phe (NM_001144770.2); c.2684A>T, p.Tyr895Phe (NM_001374722.1); c.2051A>T, p.Tyr684Phe (NM_001374729.1, NM_001374730.1, NM_001386100.1 and 1 more transcripts); c.2711A>T, p.Tyr904Phe (NM_001374734.1); c.1073A>T, p.Tyr358Phe (NM_001723.7, NM_015548.5); short protein forms Y358F, Y724F, Y862F, Y684F, Y895F, Y904F.
Identifiers: ClinVar variation 580294 (VCV000580294.7), dbSNP rs780161827, ClinGen allele CA3871359.
Genomic context (GRCh38, chr6:56,639,709, plus strand): 5'-GCCAAATATAGATAAGGGAAACAGAAGGTTTAAAAAAAAAAACTTACCAAGAGTTTTGCA[T>A]ACTGACTCTCTAATCTGTGCAACTTTTCTGCATAAGTCAGTTTAAGAGGTGCTGTCATTT-3'
Protein context (NP_001361665.1, residues 885-905): AEKLHRLESQ[Tyr895Phe]AKLLNTSRNQ

ClinVar aggregate classification (germline): Uncertain significance (1 of 4 stars; one submission).

Conditions:
Epidermolysis bullosa simplex 3, localized or generalized intermediate, with BP230 deficiency (EBS3). Also called: Epidermolysis bullosa simplex, autosomal recessive 2; Epidermolysis bullosa simplex due to BP230 deficiency. Identifiers: Orphanet 412181, MedGen C3809470, MONDO:0014180, OMIM 615425.
Hereditary sensory and autonomic neuropathy type 6. Also called: HSAN VI; Neuropathy, hereditary sensory and autonomic, type VI. Identifiers: Orphanet 314381, MedGen C3539003, MONDO:0013839, OMIM 614653.

Allele frequency attached by ClinVar (database versions not stated): ExAC 0.00001; gnomAD 0.00001; gnomAD exomes 0.00001 and 0.00002; TOPMed 0.00001.
gnomAD v4.1: 5 of 1,613,680 alleles (0.00031%); highest among the groups gnomAD compares: Admixed American, 0.0083%; no homozygotes.

Submission:

Labcorp Genetics (formerly Invitae), Labcorp
Classification: Uncertain significance for Epidermolysis bullosa simplex 3, localized or generalized intermediate, with BP230 deficiency; Hereditary sensory and autonomic neuropathy type 6. Last evaluated: 2018-05-12. Review status: criteria provided, single submitter. Criteria: Invitae Variant Classification Sherloc (09022015). Collection method: clinical testing. Allele origin: germline.
Comment: Algorithms developed to predict the effect of missense changes on protein structure and function do not agree on the potential impact of this missense change (SIFT: "Deleterious"; PolyPhen-2: "Probably Damaging"; Align-GVGD: "Class C15"). In summary, the available evidence is currently insufficient to determine the role of this variant in disease. Therefore, it has been classified as a Variant of Uncertain Significance. This variant has not been reported in the literature in individuals with DST-related disease. This sequence change replaces tyrosine with phenylalanine at codon 358 of the DST protein (p.Tyr358Phe). The tyrosine residue is highly conserved and there is a small physicochemical difference between tyrosine and phenylalanine. This variant is present in population databases (rs780161827, ExAC 0.009%).